The following is an entry in ClinVar:

NM_000330.4(RS1):c.7C>G (p.Arg3Gly)

Gene: RS1 (retinoschisin 1; minus strand). Cytogenetic location: Xp22.13.
Variant type: single nucleotide variant.
Coding change: c.7C>G on transcript NM_000330.4 (MANE Select); coding-DNA position 7, C replaced by G.
Protein change: p.Arg3Gly; replaces arginine 3 with glycine.
Molecular consequence: missense variant.
Genome position (GRCh38, 1-based): chrX:18,672,062, G>C on the plus strand (C>G on the coding strand, the complement: RS1 is on the minus strand). VCF-style: chrX-18672062-G-C. GRCh37 (hg19) VCF-style: chrX-18690182-G-C.
Other names: NM_000330.4(RS1):c.7C>G; p.Arg3Gly; short protein forms R3G.
Identifiers: ClinVar variation 757382 (VCV000757382.29), dbSNP rs571944937, ClinGen allele CA10360837.

ClinVar aggregate classification (germline): Benign. Review status: reviewed by expert panel (3 of 4 stars). 6 submissions from 6 submitters: Benign (1). 5 of the submissions do not count toward it. Last evaluated 2025-05-19.

Conditions:
RS1-related disorder. Also called: RS1-related condition.
Juvenile retinoschisis (RS1). Also called: X-linked retinoschisis; X-Linked Juvenile Retinoschisis. Identifiers: Orphanet 792, MedGen C3714753, MONDO:0010725, OMIM 312700.

Allele frequency attached by ClinVar (database versions not stated): TOPMed 0.00002; gnomAD 0.00005; 1000 Genomes Project 0.00318; 1000 Genomes Project 30x 0.00333.
gnomAD v4.1: 947 of 1,207,840 alleles (0.078%); highest among the groups gnomAD compares: South Asian, 1.5%; 2 homozygotes.

Submissions (6):

ClinGen X-linked Inherited Retinal Disease Variant Curation Expert Panel, ClinGen
Classification: Benign for Juvenile retinoschisis. Last evaluated: 2025-05-19. Review status: reviewed by expert panel. Criteria: ClinGen X LinkedIRD ACMG Specifications RS1 V1.0.0. Collection method: curation. Allele origin: germline. Inheritance: X-linked inheritance.
Comment: The NM_000330.4(RS1):c.7C>G variant is a missense variant encoding the substitution of Arginine with Glycine at amino acid 3. This variant is present in gnomAD v.4.1.0 at a frequency of 0.001335 among hemizygous individuals, with 528 variant alleles / 395462 total alleles, which is higher than the ClinGen X-linked IRD VCEP BA1 threshold of >0.0002 (BA1). The computational predictor REVEL gives a score of 0.203, which is below the ClinGen X-linked IRD VCEP threshold of <0.291 and predicts a non-damaging effect on the RS1 function. Additionally, the splicing impact predictor SpliceAI gives a delta score of 0.01, which is below the ClinGen X-linked IRD VCEP recommended threshold of <0.1 and does not strongly predict an impact on splicing (BP4). The variant has been reported to segregate with retinal dystrophy through 1 meiosis in a family; a mother and an affected son. The mother is unaffected, so the PP1 code could not be applied. (PMID: 38317323). However, PS4_Supporting requires at least 2 unrelated probands, so this criterion was not met. In summary, this variant is classified as benign for X-linked retinoschisis based on the ClinGen X-linked Inherited Retinal Disease Expert Panel Specifications to the ACMG/AMP Variant Interpretation Guidelines for RS1 Version 1.0.0: BA1 and BP4. (date of approval 01/24/2025).

CeGaT Center for Human Genetics Tuebingen
Classification: Benign. Last evaluated: 2026-09-01. Review status: criteria provided, single submitter. Criteria: CeGaT Center For Human Genetics Tuebingen Variant Classification Criteria Version 2. Collection method: clinical testing. Allele origin: germline. Affected: yes. Observed: 6 variant alleles. Not counted in ClinVar's aggregate classification.
Comment: RS1: BS1, BS2

Labcorp Genetics (formerly Invitae), Labcorp
Classification: Benign. Last evaluated: 2026-01-28. Review status: criteria provided, single submitter. Criteria: Invitae Variant Classification Sherloc (09022015). Collection method: clinical testing. Allele origin: germline. Not counted in ClinVar's aggregate classification.

Blueprint Genetics
Classification: Benign. Last evaluated: 2024-11-13. Review status: criteria provided, single submitter. Criteria: ACMG Guidelines, 2015. Collection method: clinical testing. Allele origin: germline. Not counted in ClinVar's aggregate classification.

Natera, Inc.
Classification: Benign for X-linked retinoschisis. Last evaluated: 2020-09-16. Review status: no assertion criteria provided. Collection method: clinical testing. Allele origin: germline. Not counted in ClinVar's aggregate classification.

PreventionGenetics, part of Exact Sciences
Classification: Benign for RS1-related condition. Last evaluated: 2019-07-22. Review status: no assertion criteria provided. Collection method: clinical testing. Allele origin: germline. Not counted in ClinVar's aggregate classification.
Comment: This variant is classified as benign based on ACMG/AMP sequence variant interpretation guidelines (Richards et al. 2015 PMID: 25741868, with internal and published modifications).